The following is an entry in ClinVar:

NM_013432.5(TONSL):c.3131G>A (p.Gly1044Asp)

Gene: TONSL (tonsoku like, DNA repair protein; minus strand). Cytogenetic location: 8q24.3.
Variant type: single nucleotide variant.
Coding change: c.3131G>A on transcript NM_013432.5 (MANE Select); coding-DNA position 3131, G replaced by A.
Protein change: p.Gly1044Asp; replaces glycine 1044 with aspartic acid.
Molecular consequence: missense variant.
Genome position (GRCh38, 1-based): chr8:144,434,234, C>T on the plus strand (G>A on the coding strand, the complement: TONSL is on the minus strand). VCF-style: chr8-144434234-C-T. GRCh37 (hg19) VCF-style: chr8-145659617-C-T.
Other names: short protein forms G1044D.
Identifiers: ClinVar variation 1369826 (VCV001369826.6), dbSNP rs2130844567, ClinGen allele CA372647038.

ClinVar aggregate classification (germline): Uncertain significance (1 of 4 stars; one submission).

Allele frequency attached by ClinVar (database versions not stated): gnomAD exomes below 0.00001.
gnomAD v4.1: 1 of 1,538,072 alleles (0.000065%); highest among the groups gnomAD compares: South Asian, 0.0012%; no homozygotes.

Submission:

Labcorp Genetics (formerly Invitae), Labcorp
Classification: Uncertain significance. Last evaluated: 2021-11-28. Review status: criteria provided, single submitter. Criteria: Invitae Variant Classification Sherloc (09022015). Collection method: clinical testing. Allele origin: germline.
Comment: Algorithms developed to predict the effect of missense changes on protein structure and function are either unavailable or do not agree on the potential impact of this missense change (SIFT: "Tolerated"; PolyPhen-2: "Possibly Damaging"; Align-GVGD: "Class C0"). In summary, the available evidence is currently insufficient to determine the role of this variant in disease. Therefore, it has been classified as a Variant of Uncertain Significance. This variant has not been reported in the literature in individuals affected with TONSL-related conditions. This sequence change replaces glycine, which is neutral and non-polar, with aspartic acid, which is acidic and polar, at codon 1044 of the TONSL protein (p.Gly1044Asp). This variant is not present in population databases (gnomAD no frequency).